The following is an entry in ClinVar:

NM_005883.3(APC2):c.3195C>G (p.Leu1065=)

Gene: APC2 (APC regulator of Wnt signaling pathway 2; plus strand). Cytogenetic location: 19p13.3.
Variant type: single nucleotide variant.
Coding change: c.3195C>G on transcript NM_005883.3 (MANE Select); coding-DNA position 3195, C replaced by G.
Protein change: p.Leu1065=; no amino-acid change (leucine 1065 retained).
Molecular consequence: synonymous variant.
Genome position (GRCh38, 1-based): chr19:1,466,496, C>G. VCF-style: chr19-1466496-C-G. GRCh37 (hg19) VCF-style: chr19-1466495-C-G.
Other names: c.3192C>G, p.Leu1064= (NM_001351273.1).
Identifiers: ClinVar variation 3257381 (VCV003257381.17).

ClinVar aggregate classification (germline): Likely benign (1 of 4 stars; one submission).

Submission:

CeGaT Center for Human Genetics Tuebingen
Classification: Likely benign. Last evaluated: 2024-07-01. Review status: criteria provided, single submitter. Criteria: CeGaT Center For Human Genetics Tuebingen Variant Classification Criteria Version 2. Collection method: clinical testing. Allele origin: germline. Affected: yes. Observed: 1 variant allele.
Comment: APC2: PM2:Supporting, BP4, BP7